The following is an entry in ClinVar:

NM_005751.5(AKAP9):c.923A>G (p.Tyr308Cys)

Gene: AKAP9 (A-kinase anchoring protein 9; plus strand). Cytogenetic location: 7q21.2.
Variant type: single nucleotide variant.
Coding change: c.923A>G on transcript NM_005751.5 (MANE Select); coding-DNA position 923, A replaced by G.
Protein change: p.Tyr308Cys; replaces tyrosine 308 with cysteine.
Molecular consequence: missense variant.
Genome position (GRCh38, 1-based): chr7:91,995,793, A>G. VCF-style: chr7-91995793-A-G. GRCh37 (hg19) VCF-style: chr7-91625107-A-G.
Other names: c.923A>G, p.Tyr308Cys (NM_147185.3); short protein forms Y308C.
Identifiers: ClinVar variation 5033859 (VCV005033859.1).

ClinVar aggregate classification (germline): Uncertain significance (1 of 4 stars; one submission).

Conditions:
Cardiovascular phenotype. Identifiers: MedGen CN230736.

gnomAD v4.1: 5 of 1,599,756 alleles (0.00031%); highest among the groups gnomAD compares: African/African-American, 0.0027%; no homozygotes.

Submission:

Ambry Genetics
Classification: Uncertain significance for Cardiovascular phenotype. Last evaluated: 2026-07-29. Review status: criteria provided, single submitter. Criteria: Ambry Variant Classification Scheme 2023. Collection method: clinical testing. Allele origin: germline.
Comment: The p.Y308C variant (also known as c.923A>G), located in coding exon 7 of the AKAP9 gene, results from an A to G substitution at nucleotide position 923. The tyrosine at codon 308 is replaced by cysteine, an amino acid with highly dissimilar properties. This amino acid position is not well conserved in available vertebrate species. In addition, this alteration is predicted to be tolerated by in silico analysis. The evidence for this gene-disease relationship is limited; therefore, the clinical significance of this variant is unclear.